The following is an entry in ClinVar:

ClinVar aggregate classification (germline): Uncertain significance. Review status: criteria provided, multiple submitters, no conflicts (2 of 4 stars). 2 submissions from 2 submitters: Uncertain significance (2). Last evaluated 2025-10-11.

Conditions:
Familial thoracic aortic aneurysm and aortic dissection (TAAD). Also called: Thoracic aortic aneurysms and dissections. Identifiers: Orphanet 91387, MedGen C4707243, MONDO:0019625.
FG syndrome (FGS). Identifiers: MedGen C0220769, MONDO:0002010.

Submissions (2):

Labcorp Genetics (formerly Invitae), Labcorp
Classification: Uncertain significance for FG syndrome. Last evaluated: 2025-10-11. Review status: criteria provided, single submitter. Criteria: Invitae Variant Classification Sherloc (09022015). Collection method: clinical testing. Allele origin: germline.
Comment: This sequence change replaces serine, which is neutral and polar, with asparagine, which is neutral and polar, at codon 386 of the MED12 protein (p.Ser386Asn). This variant is not present in population databases (gnomAD no frequency). This variant has not been reported in the literature in individuals affected with MED12-related conditions. ClinVar contains an entry for this variant (Variation ID: 1735646). Invitae Evidence Modeling of protein sequence and biophysical properties (such as structural, functional, and spatial information, amino acid conservation, physicochemical variation, residue mobility, and thermodynamic stability) indicates that this missense variant is not expected to disrupt MED12 protein function with a negative predictive value of 95%. In summary, the available evidence is currently insufficient to determine the role of this variant in disease. Therefore, it has been classified as a Variant of Uncertain Significance.

Ambry Genetics
Classification: Uncertain significance for Familial thoracic aortic aneurysm and aortic dissection. Last evaluated: 2018-04-18. Review status: criteria provided, single submitter. Criteria: Ambry Variant Classification Scheme 2023. Collection method: clinical testing. Allele origin: germline.
Comment: The p.S386N variant (also known as c.1157G>A), located in coding exon 8 of the MED12 gene, results from a G to A substitution at nucleotide position 1157. The serine at codon 386 is replaced by asparagine, an amino acid with highly similar properties. This amino acid position is not well conserved in available vertebrate species, and asparagine is the reference amino acid in other vertebrate species. In addition, this alteration is predicted to be tolerated by in silico analysis. Since supporting evidence is limited at this time, the clinical significance of this alteration remains unclear.

NM_005120.3(MED12):c.1157G>A (p.Ser386Asn)

Gene: MED12 (mediator complex subunit 12; plus strand). Cytogenetic location: Xq13.1.
Variant type: single nucleotide variant.
Coding change: c.1157G>A on transcript NM_005120.3 (MANE Select); coding-DNA position 1157, G replaced by A.
Protein change: p.Ser386Asn; replaces serine 386 with asparagine.
Molecular consequence: missense variant.
Genome position (GRCh38, 1-based): chrX:71,122,255, G>A. VCF-style: chrX-71122255-G-A. GRCh37 (hg19) VCF-style: chrX-70342105-G-A.
Other names: short protein forms S386N.
Identifiers: ClinVar variation 1735646 (VCV001735646.3), dbSNP rs2519669793, ClinGen allele CA413505510.